The following is an entry in ClinVar:

ClinVar aggregate classification (germline): Uncertain significance. Review status: criteria provided, multiple submitters, no conflicts (2 of 4 stars). 2 submissions from 2 submitters: Uncertain significance (2). Last evaluated 2025-07-18.

Conditions:
Hereditary cancer-predisposing syndrome. Also called: Tumor predisposition; Hereditary neoplastic syndrome; Neoplastic Syndromes, Hereditary; Hereditary Cancer Syndrome. Identifiers: Orphanet 140162, MedGen C0027672, MeSH D009386, MONDO:0015356.
Familial cancer of breast. Also called: hereditary breast carcinoma; BREAST CANCER, FAMILIAL; Hereditary breast cancer. Identifiers: Orphanet 227535, MedGen C0346153, MONDO:0016419, OMIM 114480. Disease mechanism: loss of function.
Fanconi anemia complementation group J. Also called: BRIP1-Related Fanconi Anemia. Identifiers: Orphanet 84, MedGen C1836860, MONDO:0012187, OMIM 609054.

Submissions (2):

Ambry Genetics
Classification: Uncertain significance for Hereditary cancer-predisposing syndrome. Last evaluated: 2025-07-18. Review status: criteria provided, single submitter. Criteria: Ambry Variant Classification Scheme 2023. Collection method: clinical testing. Allele origin: germline.
Comment: The p.E818Q variant (also known as c.2452G>C), located in coding exon 16 of the BRIP1 gene, results from a G to C substitution at nucleotide position 2452. The glutamic acid at codon 818 is replaced by glutamine, an amino acid with highly similar properties. This amino acid position is conserved. In addition, this alteration is predicted to be deleterious by in silico analysis. Based on the available evidence, the clinical significance of this variant remains unclear.

Labcorp Genetics (formerly Invitae), Labcorp
Classification: Uncertain significance for Familial cancer of breast; Fanconi anemia complementation group J. Last evaluated: 2020-04-24. Review status: criteria provided, single submitter. Criteria: Invitae Variant Classification Sherloc (09022015). Collection method: clinical testing. Allele origin: germline.
Comment: In summary, the available evidence is currently insufficient to determine the role of this variant in disease. Therefore, it has been classified as a Variant of Uncertain Significance. This sequence change replaces glutamic acid with glutamine at codon 818 of the BRIP1 protein (p.Glu818Gln). The glutamic acid residue is highly conserved and there is a small physicochemical difference between glutamic acid and glutamine. This variant is not present in population databases (ExAC no frequency). This variant has not been reported in the literature in individuals with BRIP1-related conditions. Algorithms developed to predict the effect of missense changes on protein structure and function are either unavailable or do not agree on the potential impact of this missense change (SIFT: "Deleterious"; PolyPhen-2: "Probably Damaging"; Align-GVGD: "Class C0").

NM_032043.3(BRIP1):c.2452G>C (p.Glu818Gln)

Gene: BRIP1 (BRCA1 interacting DNA helicase 1; minus strand). Cytogenetic location: 17q23.2.
Variant type: single nucleotide variant.
Coding change: c.2452G>C on transcript NM_032043.3 (MANE Select); coding-DNA position 2452, G replaced by C.
Protein change: p.Glu818Gln; replaces glutamic acid 818 with glutamine.
Molecular consequence: missense variant.
Genome position (GRCh38, 1-based): chr17:61,715,991, C>G on the plus strand (G>C on the coding strand, the complement: BRIP1 is on the minus strand). VCF-style: chr17-61715991-C-G. GRCh37 (hg19) VCF-style: chr17-59793352-C-G.
Other names: short protein forms E818Q.
Identifiers: ClinVar variation 941222 (VCV000941222.11), dbSNP rs1555580819, ClinGen allele CA400479555.
Genomic context (GRCh38, chr17:61,715,991, plus strand): 5'-TTAAATTTCACTCCACTTACCTACCAAGGGCCTGGTTTAAGGCCCTGTATGCTTGAATTT[C>G]ATACCACTGACGGCCAGGTAGAAGACCTCTCAATTTTGAATGGTGGTCATTGTATTGTCG-3'
Protein context (NP_114432.2, residues 808-828): RGLLPGRQWY[Glu818Gln]IQAYRALNQA